The following is an entry in ClinVar:

ClinVar aggregate classification (germline): Uncertain significance (1 of 4 stars; one submission).

Conditions:
Hereditary cancer-predisposing syndrome. Also called: Tumor predisposition; Hereditary Cancer Syndrome; Hereditary neoplastic syndrome; Neoplastic Syndromes, Hereditary. Identifiers: Orphanet 140162, MedGen C0027672, MeSH D009386, MONDO:0015356.

Submission:

Ambry Genetics
Classification: Uncertain significance for Hereditary cancer-predisposing syndrome. Last evaluated: 2025-10-15. Review status: criteria provided, single submitter. Criteria: Ambry Variant Classification Scheme 2023. Collection method: clinical testing. Allele origin: germline.
Comment: The p.L1063F variant (also known as c.3189G>C), located in coding exon 22 of the SMARCA4 gene, results from a G to C substitution at nucleotide position 3189. The leucine at codon 1063 is replaced by phenylalanine, an amino acid with highly similar properties. This amino acid position is conserved. In addition, this alteration is predicted to be tolerated by in silico analysis. Based on the available evidence, the clinical significance of this variant remains unclear.

NM_003072.5(SMARCA4):c.3189G>C (p.Leu1063Phe)

Gene: SMARCA4 (SWI/SNF related BAF chromatin remodeling complex subunit ATPase 4; plus strand). Cytogenetic location: 19p13.2.
Variant type: single nucleotide variant.
Coding change: c.3189G>C on transcript NM_003072.5 (MANE Select); coding-DNA position 3189, G replaced by C.
Protein change: p.Leu1063Phe; replaces leucine 1063 with phenylalanine.
Molecular consequence: missense variant. On other transcripts: non-coding transcript variant (1).
Genome position (GRCh38, 1-based): chr19:11,026,320, G>C. VCF-style: chr19-11026320-G-C. GRCh37 (hg19) VCF-style: chr19-11136996-G-C.
Other names: c.3189G>C, p.Leu1063Phe (NM_001128844.3, NM_001128845.2, NM_001128846.2 and 6 more transcripts); short protein forms L1063F.
Identifiers: ClinVar variation 4549409 (VCV004549409.1).
Genomic context (GRCh38, chr19:11,026,320, plus strand): 5'-GCTCCTGCCTGTCACTGACCCCTCTCTCCTTGCCTTGCAGGAGTCCTTTTCCGAGCACTT[G>C]GGGTTCACTGGCGGCATTGTCCAAGGGTGAGAAGCTTCCCAACTGGATGGGGTGGGCAGG-3'
Protein context (NP_003063.2, residues 1053-1073): QHIEESFSEH[Leu1063Phe]GFTGGIVQGL